The following is an entry in ClinVar:

NM_198859.4(PRICKLE2):c.1534G>T (p.Gly512Cys)

Gene: PRICKLE2 (prickle planar cell polarity protein 2; minus strand). Cytogenetic location: 3p14.1.
Variant type: single nucleotide variant.
Coding change: c.1534G>T on transcript NM_198859.4 (MANE Select); coding-DNA position 1534, G replaced by T.
Protein change: p.Gly512Cys; replaces glycine 512 with cysteine.
Molecular consequence: missense variant.
Genome position (GRCh38, 1-based): chr3:64,146,956, C>A on the plus strand (G>T on the coding strand, the complement: PRICKLE2 is on the minus strand). VCF-style: chr3-64146956-C-A. GRCh37 (hg19) VCF-style: chr3-64132632-C-A.
Other names: c.1534G>T, p.Gly512Cys (NM_001370528.1); short protein forms G512C.
Identifiers: ClinVar variation 1988139 (VCV001988139.4), dbSNP rs771138800, ClinGen allele CA2479612.

ClinVar aggregate classification (germline): Uncertain significance (1 of 4 stars; one submission).

Conditions:
Progressive myoclonic epilepsy type 5. Identifiers: Orphanet 402082, MedGen C5190799.

Allele frequency attached by ClinVar (database versions not stated): ExAC 0.00002; TOPMed 0.00002.
gnomAD v4.1: 4 of 1,614,118 alleles (0.00025%); highest among the groups gnomAD compares: Admixed American, 0.0067%; no homozygotes.

Submission:

Labcorp Genetics (formerly Invitae), Labcorp
Classification: Uncertain significance for Progressive myoclonic epilepsy type 5. Last evaluated: 2024-10-17. Review status: criteria provided, single submitter. Criteria: Invitae Variant Classification Sherloc (09022015). Collection method: clinical testing. Allele origin: germline.
Comment: This sequence change replaces glycine, which is neutral and non-polar, with cysteine, which is neutral and slightly polar, at codon 512 of the PRICKLE2 protein (p.Gly512Cys). This variant is present in population databases (rs771138800, gnomAD 0.01%). This variant has not been reported in the literature in individuals affected with PRICKLE2-related conditions. ClinVar contains an entry for this variant (Variation ID: 1988139). Invitae Evidence Modeling of protein sequence and biophysical properties (such as structural, functional, and spatial information, amino acid conservation, physicochemical variation, residue mobility, and thermodynamic stability) indicates that this missense variant is not expected to disrupt PRICKLE2 protein function with a negative predictive value of 80%. In summary, the available evidence is currently insufficient to determine the role of this variant in disease. Therefore, it has been classified as a Variant of Uncertain Significance.